The following is an entry in ClinVar:

ClinVar aggregate classification (germline): Likely benign. Review status: reviewed by expert panel (3 of 4 stars). 4 submissions from 4 submitters: Likely benign (1). 3 of the submissions do not count toward it. Last evaluated 2017-06-29.

Conditions:
Hereditary breast ovarian cancer syndrome. Also called: Hereditary breast and ovarian cancer syndrome (HBOC); BRCA1- and BRCA2-Associated Hereditary Breast and Ovarian Cancer; Hereditary breast and/or ovarian cancer syndrome; Hereditary breast and ovarian cancer syndrome; Hereditary breast and ovarian cancer; Breast and ovarian cancer. Identifiers: Orphanet 145, MedGen C0677776, MeSH D061325, MONDO:0003582. Disease mechanism: loss of function.
Hereditary cancer-predisposing syndrome. Also called: Neoplastic Syndromes, Hereditary; Hereditary neoplastic syndrome; Tumor predisposition; Hereditary Cancer Syndrome. Identifiers: Orphanet 140162, MedGen C0027672, MeSH D009386, MONDO:0015356.
Breast-ovarian cancer, familial, susceptibility to, 1 (BROVCA1). Also called: BRCA1 Hereditary Breast and Ovarian Cancer; OVARIAN CANCER, SUSCEPTIBILITY TO. Identifiers: Orphanet 145, MedGen C2676676, MONDO:0011450, OMIM 604370. Disease mechanism: loss of function.

Allele frequency attached by ClinVar (database versions not stated): gnomAD exomes below 0.00001; ExAC 0.00001.
gnomAD v4.1: 1 of 1,613,588 alleles (0.000062%); highest among the groups gnomAD compares: Admixed American, 0.0017%; no homozygotes.

Submissions (4):

Evidence-based Network for the Interpretation of Germline Mutant Alleles (ENIGMA)
Classification: Likely benign for Breast-ovarian cancer, familial, susceptibility to, 1. Last evaluated: 2017-06-29. Review status: reviewed by expert panel. Criteria: ENIGMA BRCA1/2 Classification Criteria (2017-06-29). Collection method: curation. Allele origin: germline.
Comment: Synonymous substitution variant, with low bioinformatic likelihood to result in a splicing aberration (Splicing prior probability 0.02).

Labcorp Genetics (formerly Invitae), Labcorp
Classification: Likely benign for Hereditary breast ovarian cancer syndrome. Last evaluated: 2025-11-13. Review status: criteria provided, single submitter. Criteria: Invitae Variant Classification Sherloc (09022015). Collection method: clinical testing. Allele origin: germline. Not counted in ClinVar's aggregate classification.

Color Diagnostics, LLC DBA Color Health
Classification: Likely benign for Hereditary cancer-predisposing syndrome. Last evaluated: 2019-01-14. Review status: criteria provided, single submitter. Criteria: ACMG Guidelines, 2015. Collection method: clinical testing. Allele origin: germline. Not counted in ClinVar's aggregate classification.

Ambry Genetics
Classification: Likely benign for Hereditary cancer-predisposing syndrome. Last evaluated: 2015-12-03. Review status: criteria provided, single submitter. Criteria: Ambry Variant Classification Scheme 2023. Collection method: clinical testing. Allele origin: germline. Not counted in ClinVar's aggregate classification.

NM_007294.4(BRCA1):c.1746G>A (p.Thr582=)

Gene: BRCA1 (BRCA1 DNA repair associated; minus strand). Cytogenetic location: 17q21.31.
Variant type: single nucleotide variant.
Coding change: c.1746G>A on transcript NM_007294.4 (MANE Select); coding-DNA position 1746, G replaced by A.
Protein change: p.Thr582=; no amino-acid change (threonine 582 retained).
Molecular consequence: synonymous variant. On other transcripts: intron variant (137).
Genome position (GRCh38, 1-based): chr17:43,093,785, C>T on the plus strand (G>A on the coding strand, the complement: BRCA1 is on the minus strand). VCF-style: chr17-43093785-C-T. GRCh37 (hg19) VCF-style: chr17-41245802-C-T.
Other names: c.1533G>A, p.Thr511= (NM_001407571.1, NM_001407853.1, NM_001407894.1 and 9 more transcripts); c.1746G>A, p.Thr582= (NM_001407581.1, NM_001407582.1, NM_001407583.1 and 30 more transcripts); c.1743G>A, p.Thr581= (NM_001407587.1, NM_001407590.1, NM_001407591.1 and 22 more transcripts); c.1737G>A, p.Thr579= (NM_001407646.1, NM_001407647.1); c.1623G>A, p.Thr541= (NM_001407648.1, NM_001407664.1, NM_001407665.1 and 19 more transcripts); c.1620G>A, p.Thr540= (NM_001407649.1, NM_001407670.1, NM_001407671.1 and 11 more transcripts); c.1668G>A, p.Thr556= (NM_001407653.1, NM_001407654.1, NM_001407655.1 and 4 more transcripts); c.1665G>A, p.Thr555= (NM_001407659.1, NM_001407660.1, NM_001407661.1 and 1 more transcripts); and 40 more.
Identifiers: ClinVar variation 427309 (VCV000427309.17), dbSNP rs776115545, ClinGen allele CA057489.
Genomic context (GRCh38, chr17:43,093,785, plus strand): 5'-ATTGTGGATATTTAATTCGAGTTCCATATTGCTTATACTGCTGCTTATAGGTTCAGCTTT[C>T]GTTTTGAAAGCAGATTCTTTTTCGAGTGATTCTATTGGGTTAGGATTTTTCTCATTCTGA-3'
Protein context (NP_009225.1, residues 572-592): ESLEKESAFK[Thr582=]KAEPISSSIS